The following is an entry in ClinVar:

NM_022114.4(PRDM16):c.1738G>A (p.Glu580Lys)

Gene: PRDM16 (PR/SET domain 16; plus strand). Cytogenetic location: 1p36.32.
Variant type: single nucleotide variant.
Coding change: c.1738G>A on transcript NM_022114.4 (MANE Select); coding-DNA position 1738, G replaced by A.
Protein change: p.Glu580Lys; replaces glutamic acid 580 with lysine.
Molecular consequence: missense variant.
Genome position (GRCh38, 1-based): chr1:3,411,935, G>A. VCF-style: chr1-3411935-G-A. GRCh37 (hg19) VCF-style: chr1-3328499-G-A.
Other names: c.1738G>A, p.Glu580Lys (NM_199454.3); short protein forms E580K.
Identifiers: ClinVar variation 1000013 (VCV001000013.10), dbSNP rs371024796, ClinGen allele CA544272.

ClinVar aggregate classification (germline): Uncertain significance. Review status: criteria provided, multiple submitters, no conflicts (2 of 4 stars). 3 submissions from 3 submitters: Uncertain significance (3). Last evaluated 2026-01-21.

Conditions:
Left ventricular noncompaction 8 (LVNC8). Identifiers: Orphanet 154, Orphanet 54260, MedGen C3809288, MONDO:0014152, OMIM 615373.

Allele frequency attached by ClinVar (database versions not stated): TOPMed 0.00025; ESP Exome Variant Server 0.00008; gnomAD 0.00015; gnomAD exomes 0.00006; 1000 Genomes Project 30x 0.00047; ExAC 0.00009; 1000 Genomes Project 0.00060.

Submissions (3):

Labcorp Genetics (formerly Invitae), Labcorp
Classification: Uncertain significance for Left ventricular noncompaction 8. Last evaluated: 2026-01-21. Review status: criteria provided, single submitter. Criteria: Invitae Variant Classification Sherloc (09022015). Collection method: clinical testing. Allele origin: germline.
Comment: This sequence change replaces glutamic acid, which is acidic and polar, with lysine, which is basic and polar, at codon 580 of the PRDM16 protein (p.Glu580Lys). This variant is present in population databases (rs371024796, gnomAD 0.04%), and has an allele count higher than expected for a pathogenic variant. This variant has not been reported in the literature in individuals affected with PRDM16-related conditions. ClinVar contains an entry for this variant (Variation ID: 1000013). An algorithm developed to predict the effect of missense changes on protein structure and function (PolyPhen-2) suggests that this variant is likely to be tolerated. In summary, the available evidence is currently insufficient to determine the role of this variant in disease. Therefore, it has been classified as a Variant of Uncertain Significance.

GeneDx
Classification: Uncertain significance. Last evaluated: 2025-11-04. Review status: criteria provided, single submitter. Criteria: GeneDx Variant Classification Process June 2021. Collection method: clinical testing. Allele origin: germline.
Comment: Has not been previously published as pathogenic or benign to our knowledge; In silico analysis suggests that this missense variant does not alter protein structure/function

Fulgent Genetics
Classification: Uncertain significance for Left ventricular noncompaction 8. Last evaluated: 2021-10-11. Review status: criteria provided, single submitter. Criteria: ACMG Guidelines, 2015. Collection method: clinical testing. Allele origin: unknown.